The following is an entry in ClinVar:

ClinVar aggregate classification (germline): Pathogenic. Review status: criteria provided, single submitter (1 of 4 stars). 2 submissions from 2 submitters: Pathogenic (1). 1 of the submissions does not count toward it. Last evaluated 2022-10-28.

Conditions:
Bardet-Biedl syndrome (BBS). Identifiers: Orphanet 110, MedGen C0752166, MONDO:0015229.
BBS2-related disorder. Also called: BBS2-related disorders; BBS2-related condition. Identifiers: MedGen CN239228.

Allele frequency attached by ClinVar (database versions not stated): TOPMed below 0.00001.

Submissions (3):

Labcorp Genetics (formerly Invitae), Labcorp
Classification: Pathogenic for Bardet-Biedl syndrome. Last evaluated: 2022-10-28. Review status: criteria provided, single submitter. Criteria: Invitae Variant Classification Sherloc (09022015). Collection method: clinical testing. Allele origin: germline.
Comment: For these reasons, this variant has been classified as Pathogenic. Algorithms developed to predict the effect of sequence changes on RNA splicing suggest that this variant may disrupt the consensus splice site. ClinVar contains an entry for this variant (Variation ID: 1522592). Disruption of this splice site has been observed in individual(s) with Bardet-Biedl syndrome (Invitae). This variant is not present in population databases (gnomAD no frequency). This sequence change affects an acceptor splice site in intron 6 of the BBS2 gene. It is expected to disrupt RNA splicing. Variants that disrupt the donor or acceptor splice site typically lead to a loss of protein function (PMID: 16199547), and loss-of-function variants in BBS2 are known to be pathogenic (PMID: 11285252, 20177705, 24608809, 26518167).

PreventionGenetics, part of Exact Sciences
Classification: Likely pathogenic for BBS2-related condition. Last evaluated: 2024-01-08. Review status: no assertion criteria provided. Collection method: clinical testing. Allele origin: germline. Not counted in ClinVar's aggregate classification.
Comment: The BBS2 c.718-2A>G variant is predicted to disrupt the AG splice acceptor site and interfere with normal splicing. To our knowledge, this variant has not been reported in the literature or a large population database, indicating this variant is rare. Variants that disrupt the consensus splice acceptor site in BBS2 are expected to be pathogenic. This variant is interpreted as likely pathogenic.

Dr. Peter K. Rogan Lab, Western University
No classification provided (evidence only). Condition: Sarcoma. Review status: no classification provided. Collection method: in vitro. Allele origin: not applicable. Functional consequence: skipped exon. Not counted in ClinVar's aggregate classification.

Literature cited by the submitters: PubMed 16199547 (cited by Labcorp Genetics (formerly Invitae), Labcorp); PubMed 11285252 (cited by Labcorp Genetics (formerly Invitae), Labcorp); PubMed 20177705 (cited by Labcorp Genetics (formerly Invitae), Labcorp); PubMed 24608809 (cited by Labcorp Genetics (formerly Invitae), Labcorp); PubMed 26518167 (cited by Labcorp Genetics (formerly Invitae), Labcorp).

NM_031885.5(BBS2):c.718-2A>G

Gene: BBS2 (Bardet-Biedl syndrome 2; minus strand). Cytogenetic location: 16q13.
Variant type: single nucleotide variant.
Coding change: c.718-2A>G on transcript NM_031885.5 (MANE Select); the canonical splice acceptor site of the intron before coding-DNA position 718, A replaced by G.
Molecular consequence: splice acceptor variant.
Genome position (GRCh38, 1-based): chr16:56,506,038, T>C on the plus strand (A>G on the coding strand, the complement: BBS2 is on the minus strand). VCF-style: chr16-56506038-T-C. GRCh37 (hg19) VCF-style: chr16-56539950-T-C.
Other names: c.718-2A>G (NM_001377456.1, NM_031885.3).
Identifiers: ClinVar variation 1522592 (VCV001522592.8), dbSNP rs1964413705, ClinGen allele CA395982864.
Genomic context (GRCh38, chr16:56,506,038, plus strand): 5'-TCATTCACTCCATCAGAATTAAGGTCAAAAGCATGAATGCTCATGGCATGATTTTTCGAC[T>C]GAAAAAGAATTTTAATAATTAGCACAGAAGTCTCACAATAACTATCAAGCGCCTGAATAT-3'